The following is an entry in ClinVar:

NM_130384.3(ATRIP):c.406C>T (p.Leu136Phe)

Genes: ATRIP (ATR interacting protein; plus strand), ATRIP-TREX1 (ATRIP-TREX1 readthrough; plus strand). Cytogenetic location: 3p21.31.
Variant type: single nucleotide variant.
Coding change: c.406C>T on transcript NM_130384.3 (MANE Select); coding-DNA position 406, C replaced by T.
Protein change: p.Leu136Phe; replaces leucine 136 with phenylalanine.
Molecular consequence: missense variant. On other transcripts: non-coding transcript variant (1).
Genome position (GRCh38, 1-based): chr3:48,451,753, C>T. VCF-style: chr3-48451753-C-T. GRCh37 (hg19) VCF-style: chr3-48493159-C-T.
Other names: c.25C>T, p.Leu9Phe (NM_001271022.2); c.127C>T, p.Leu43Phe (NM_001271023.2); c.406C>T, p.Leu136Phe (NM_032166.4); short protein forms L9F, L136F, L43F.
Identifiers: ClinVar variation 4644499 (VCV004644499.1).

ClinVar aggregate classification (germline): Uncertain significance (1 of 4 stars; one submission).

gnomAD v4.1: 1 of 1,597,898 alleles (0.000063%); highest among the groups gnomAD compares: South Asian, 0.0011%; no homozygotes.

Submission:

Ambry Genetics
Classification: Uncertain significance. Last evaluated: 2025-10-16. Review status: criteria provided, single submitter. Criteria: Ambry Variant Classification Scheme 2023. Collection method: clinical testing. Allele origin: germline.
Comment: The p.L136F variant (also known as c.406C>T), located in coding exon 3 of the ATRIP gene, results from a C to T substitution at nucleotide position 406. The leucine at codon 136 is replaced by phenylalanine, an amino acid with highly similar properties. This amino acid position is well conserved in available vertebrate species. In addition, the in silico prediction for this alteration is inconclusive. The evidence for this gene-disease relationship is limited; therefore, the clinical significance of this alteration is unclear.